The following is an entry in ClinVar:

NM_001220.5(CAMK2B):c.1567C>T (p.Pro523Ser)

Gene: CAMK2B (calcium/calmodulin dependent protein kinase II beta; minus strand). Cytogenetic location: 7p13.
Variant type: single nucleotide variant.
Coding change: c.1567C>T on transcript NM_001220.5 (MANE Select); coding-DNA position 1567, C replaced by T.
Protein change: p.Pro523Ser; replaces proline 523 with serine.
Molecular consequence: missense variant. On other transcripts: intron variant (8).
Genome position (GRCh38, 1-based): chr7:44,226,546, G>A on the plus strand (C>T on the coding strand, the complement: CAMK2B is on the minus strand). VCF-style: chr7-44226546-G-A. GRCh37 (hg19) VCF-style: chr7-44266145-G-A.
Other names: c.947-5645C>T (NM_172084.3); c.1150+4460C>T (NM_172080.3); c.1036+4460C>T (NM_172083.3); c.1108+4460C>T (NM_172081.3); c.1153+4460C>T (NM_172079.3, NM_172082.3); c.1225+4460C>T (NM_001293170.2, NM_172078.3); short protein forms P523S.
Identifiers: ClinVar variation 2664914 (VCV002664914.1), dbSNP rs1703543682, ClinGen allele CA367371445.

ClinVar aggregate classification (germline): Uncertain significance (1 of 4 stars; one submission).

Conditions:
Intellectual developmental disorder, autosomal dominant 54. Also called: MENTAL RETARDATION, AUTOSOMAL DOMINANT 54; Intellectual disability, autosomal dominant 54. Identifiers: MedGen C4540484, MONDO:0030920, OMIM 617799.

Submission:

Neuberg Centre For Genomic Medicine, NCGM
Classification: Uncertain significance for Intellectual developmental disorder, autosomal dominant 54. Last evaluated: 2023-02-14. Review status: criteria provided, single submitter. Criteria: ACMG Guidelines, 2015. Collection method: clinical testing. Allele origin: germline. Inheritance: Autosomal recessive inheritance. Affected: yes.
Comment: The missense c.1567C>T(p.Pro523Ser) variant in CAMK2B gene has not been reported previously as a pathogenic variant nor as a benign variant, to our knowledge. The p.Pro523Ser variant is novel (not in any individuals) in gnomAD Exomes and 1000 Genomes. This variant has not been reported to the ClinVar database. The amino acid change p.Pro523Ser in CAMK2B is predicted as conserved by GERP++ and PhyloP across 100 vertebrates. The amino acid Pro at position 523 is changed to a Ser changing protein sequence and it might alter its composition and physico-chemical properties. For these reasons, this variant has been classified as Variant of Uncertain Significance (VUS).